The following is an entry in ClinVar:

ClinVar aggregate classification (germline): Conflicting classifications of pathogenicity. Review status: criteria provided, conflicting classifications (1 of 4 stars). 4 submissions from 4 submitters: Uncertain significance (1); Benign (1); Likely benign (2). Last evaluated 2026-01-14.

Conditions:
Pyridoxine-dependent epilepsy (EPEO4). Also called: Pyridoxine-Dependent Epilepsy - ALDH7A1; EPILEPSY, EARLY-ONSET, 4, VITAMIN B6-DEPENDENT; Pyridoxine-Dependent Seizures; PYRIDOXINE DEPENDENCY WITH SEIZURES. Identifiers: Orphanet 3006, MedGen C1849508, MONDO:0009945, OMIM 266100. Disease mechanism: loss of function.

Allele frequency attached by ClinVar (database versions not stated): TOPMed 0.00001; 1000 Genomes Project 0.00020; ExAC 0.00048; gnomAD 0.00008 and below 0.00001; gnomAD exomes 0.00019 and 0.00037; 1000 Genomes Project 30x 0.00016.
gnomAD v4.1: 290 of 1,607,480 alleles (0.018%); highest among the groups gnomAD compares: South Asian, 0.3%; 6 homozygotes.

Submissions (4):

Labcorp Genetics (formerly Invitae), Labcorp
Classification: Benign for Pyridoxine-dependent epilepsy. Last evaluated: 2026-01-14. Review status: criteria provided, single submitter. Criteria: Invitae Variant Classification Sherloc (09022015). Collection method: clinical testing. Allele origin: germline.

Women's Health and Genetics/Laboratory Corporation of America, LabCorp
Classification: Likely benign. Last evaluated: 2025-06-16. Review status: criteria provided, single submitter. Criteria: LabCorp Variant Classification Summary - May 2015. Collection method: clinical testing. Allele origin: germline.

Illumina Laboratory Services, Illumina
Classification: Uncertain significance for Pyridoxine-dependent epilepsy. Last evaluated: 2018-01-13. Review status: criteria provided, single submitter. Criteria: ICSL Variant Classification Criteria 13 December 2019. Collection method: clinical testing. Allele origin: germline.

GeneDx
Classification: Likely benign. Last evaluated: 2016-09-20. Review status: criteria provided, single submitter. Criteria: GeneDx Variant Classification (06012015). Collection method: clinical testing. Allele origin: germline. Affected: yes.
Comment: This variant is considered likely benign or benign based on one or more of the following criteria: it is a conservative change, it occurs at a poorly conserved position in the protein, it is predicted to be benign by multiple in silico algorithms, and/or has population frequency not consistent with disease.

NM_001182.5(ALDH7A1):c.313-15G>A

Gene: ALDH7A1 (aldehyde dehydrogenase 7 family member A1; minus strand). Cytogenetic location: 5q23.2.
Variant type: single nucleotide variant.
Coding change: c.313-15G>A on transcript NM_001182.5 (MANE Select); 15 bases into the intron before coding-DNA position 313, G replaced by A.
Molecular consequence: intron variant.
Genome position (GRCh38, 1-based): chr5:126,584,027, C>T on the plus strand (G>A on the coding strand, the complement: ALDH7A1 is on the minus strand). VCF-style: chr5-126584027-C-T. GRCh37 (hg19) VCF-style: chr5-125919719-C-T.
Other names: c.313-15G>A (NM_001202404.2); c.229-15G>A (NM_001201377.2).
Identifiers: ClinVar variation 350586 (VCV000350586.13), dbSNP rs201720741, ClinGen allele CA3389799.